The following is an entry in ClinVar:

NM_182931.3(KMT2E):c.4762C>A (p.Gln1588Lys)

Gene: KMT2E (lysine methyltransferase 2E (inactive); plus strand). Cytogenetic location: 7q22.3.
Variant type: single nucleotide variant.
Coding change: c.4762C>A on transcript NM_182931.3 (MANE Select); coding-DNA position 4762, C replaced by A.
Protein change: p.Gln1588Lys; replaces glutamine 1588 with lysine.
Molecular consequence: missense variant.
Genome position (GRCh38, 1-based): chr7:105,112,518, C>A. VCF-style: chr7-105112518-C-A. GRCh37 (hg19) VCF-style: chr7-104752965-C-A.
Other names: c.4636C>A, p.Gln1546Lys (NM_001410908.1); c.4762C>A, p.Gln1588Lys (NM_018682.4); short protein forms Q1546K, Q1588K.
Identifiers: ClinVar variation 2636011 (VCV002636011.2), dbSNP rs748333500, ClinGen allele CA4424821.

ClinVar aggregate classification (germline): Uncertain significance. Review status: criteria provided, multiple submitters, no conflicts (2 of 4 stars). 2 submissions from 2 submitters: Uncertain significance (2). Last evaluated 2025-12-11.

Conditions:
Inborn genetic diseases. Identifiers: MedGen C0950123, MeSH D030342.
KMT2E-related disorder. Also called: KMT2E-related condition.

Allele frequency attached by ClinVar (database versions not stated): TOPMed below 0.00001; ExAC 0.00001.
gnomAD v4.1: 3 of 1,614,082 alleles (0.00019%); highest among the groups gnomAD compares: South Asian, 0.0033%; no homozygotes.

Submissions (2):

Ambry Genetics
Classification: Uncertain significance for Inborn genetic diseases. Last evaluated: 2025-12-11. Review status: criteria provided, single submitter. Criteria: Ambry Variant Classification Scheme 2023. Collection method: clinical testing. Allele origin: germline.

PreventionGenetics, part of Exact Sciences
Classification: Uncertain significance for KMT2E-related condition. Last evaluated: 2023-04-13. Review status: criteria provided, single submitter. Criteria: ACMG Guidelines, 2015. Collection method: clinical testing. Allele origin: germline.
Comment: The KMT2E c.4762C>A variant is predicted to result in the amino acid substitution p.Gln1588Lys. To our knowledge, this variant has not been reported in the literature. This variant is reported in 0.0033% of alleles in individuals of South Asian descent in gnomAD. At this time, the clinical significance of this variant is uncertain due to the absence of conclusive functional and genetic evidence.